The following is an entry in ClinVar:

ClinVar aggregate classification (germline): Uncertain significance (0 of 4 stars; one submission).

Conditions:
CAMK2B-related disorder. Also called: CAMK2B-related condition.

Submission:

PreventionGenetics, part of Exact Sciences
Classification: Uncertain significance for CAMK2B-related condition. Last evaluated: 2024-06-11. Review status: no assertion criteria provided. Collection method: clinical testing. Allele origin: germline.
Comment: The CAMK2B c.1340C>T variant is predicted to result in the amino acid substitution p.Ser447Phe. To our knowledge, this variant has not been reported in the literature or in a large population database, indicating this variant is rare. At this time, the clinical significance of this variant is uncertain due to the absence of conclusive functional and genetic evidence.

NM_001220.5(CAMK2B):c.1340C>T (p.Ser447Phe)

Gene: CAMK2B (calcium/calmodulin dependent protein kinase II beta; minus strand). Cytogenetic location: 7p13.
Variant type: single nucleotide variant.
Coding change: c.1340C>T on transcript NM_001220.5 (MANE Select); coding-DNA position 1340, C replaced by T.
Protein change: p.Ser447Phe; replaces serine 447 with phenylalanine.
Molecular consequence: missense variant. On other transcripts: intron variant (8).
Genome position (GRCh38, 1-based): chr7:44,228,924, G>A on the plus strand (C>T on the coding strand, the complement: CAMK2B is on the minus strand). VCF-style: chr7-44228924-G-A. GRCh37 (hg19) VCF-style: chr7-44268523-G-A.
Other names: c.947-8023C>T (NM_172084.3); c.1150+2082C>T (NM_172080.3); c.1036+2082C>T (NM_172083.3); c.1108+2082C>T (NM_172081.3); c.1153+2082C>T (NM_172079.3, NM_172082.3); c.1225+2082C>T (NM_001293170.2, NM_172078.3); short protein forms S447F.
Identifiers: ClinVar variation 3356416 (VCV003356416.1).